The following is an entry in ClinVar:

NM_017849.4(TMEM127):c.213G>A (p.Val71=)

Gene: TMEM127 (transmembrane protein 127; minus strand). Cytogenetic location: 2q11.2.
Variant type: single nucleotide variant.
Coding change: c.213G>A on transcript NM_017849.4 (MANE Select); coding-DNA position 213, G replaced by A.
Protein change: p.Val71=; no amino-acid change (valine 71 retained).
Molecular consequence: synonymous variant.
Genome position (GRCh38, 1-based): chr2:96,265,169, C>T on the plus strand (G>A on the coding strand, the complement: TMEM127 is on the minus strand). VCF-style: chr2-96265169-C-T. GRCh37 (hg19) VCF-style: chr2-96930907-C-T.
Other names: c.213G>A, p.Val71= (NM_001193304.3).
Identifiers: ClinVar variation 413239 (VCV000413239.19), dbSNP rs777169152, ClinGen allele CA1777382.

ClinVar aggregate classification (germline): Benign/Likely benign. Review status: criteria provided, multiple submitters, no conflicts (2 of 4 stars). 4 submissions from 4 submitters: Benign (1); Likely benign (2). 1 of the submissions does not count toward it. Last evaluated 2026-07-29.

Conditions:
Hereditary pheochromocytoma and paraganglioma. Also called: Hereditary Paraganglioma-Pheochromocytoma Syndromes; Hereditary paragangliomas and pheochromocytomas; Hereditary pheochromocytoma-paraganglioma. Identifiers: Orphanet 29072, MedGen C4274332, MONDO:0017366.
Hereditary cancer-predisposing syndrome. Also called: Hereditary Cancer Syndrome; Hereditary neoplastic syndrome; Neoplastic Syndromes, Hereditary; Tumor predisposition. Identifiers: Orphanet 140162, MedGen C0027672, MeSH D009386, MONDO:0015356.
TMEM127-related disorder. Also called: TMEM127-related condition.

Allele frequency attached by ClinVar (database versions not stated): gnomAD 0.00003 and 0.00004; TOPMed 0.00003; gnomAD exomes 0.00006 and 0.00005; ExAC 0.00003.
gnomAD v4.1: 86 of 1,611,296 alleles (0.0053%); highest among the groups gnomAD compares: South Asian, 0.045%; no homozygotes.

Submissions (4):

Myriad Genetics, Inc.
Classification: Benign for Hereditary pheochromocytoma and paraganglioma. Last evaluated: 2026-07-29. Review status: criteria provided, single submitter. Criteria: Myriad Autosomal Dominant, Autosomal Recessive and X-Linked Classification Criteria (2023). Collection method: clinical testing. Allele origin: unknown.
Comment: This variant is considered benign. This variant is a silent/synonymous amino acid change and it is not expected to impact splicing.

Labcorp Genetics (formerly Invitae), Labcorp
Classification: Likely benign for Hereditary pheochromocytoma and paraganglioma. Last evaluated: 2026-01-23. Review status: criteria provided, single submitter. Criteria: Invitae Variant Classification Sherloc (09022015). Collection method: clinical testing. Allele origin: germline.

Ambry Genetics
Classification: Likely benign for Hereditary cancer-predisposing syndrome. Last evaluated: 2015-12-30. Review status: criteria provided, single submitter. Criteria: Ambry Variant Classification Scheme 2023. Collection method: clinical testing. Allele origin: germline.

PreventionGenetics, part of Exact Sciences
Classification: Likely benign for TMEM127-related condition. Last evaluated: 2023-06-07. Review status: no assertion criteria provided. Collection method: clinical testing. Allele origin: germline. Not counted in ClinVar's aggregate classification.
Comment: This variant is classified as likely benign based on ACMG/AMP sequence variant interpretation guidelines (Richards et al. 2015 PMID: 25741868, with internal and published modifications).